The following is an entry in ClinVar:

ClinVar aggregate classification (germline): Uncertain significance (1 of 4 stars; one submission).

Submission:

Labcorp Genetics (formerly Invitae), Labcorp
Classification: Uncertain significance. Last evaluated: 2025-09-23. Review status: criteria provided, single submitter. Criteria: Invitae Variant Classification Sherloc (09022015). Collection method: clinical testing. Allele origin: germline.
Comment: This sequence change replaces histidine, which is basic and polar, with aspartic acid, which is acidic and polar, at codon 867 of the MKL1 protein (p.His867Asp). This variant is not present in population databases (gnomAD no frequency). This variant has not been reported in the literature in individuals affected with MKL1-related conditions. An algorithm developed to predict the effect of missense changes on protein structure and function (PolyPhen-2) suggests that this variant is likely to be tolerated. In summary, the available evidence is currently insufficient to determine the role of this variant in disease. Therefore, it has been classified as a Variant of Uncertain Significance.

NM_020831.6(MRTFA):c.2899C>G (p.His967Asp)

Gene: MRTFA (myocardin related transcription factor A; minus strand). Cytogenetic location: 22q13.1.
Variant type: single nucleotide variant.
Coding change: c.2899C>G on transcript NM_020831.6 (MANE Select); coding-DNA position 2899, C replaced by G.
Protein change: p.His967Asp; replaces histidine 967 with aspartic acid.
Molecular consequence: missense variant. On other transcripts: 3 prime UTR variant (1).
Genome position (GRCh38, 1-based): chr22:40,411,587, G>C on the plus strand (C>G on the coding strand, the complement: MRTFA is on the minus strand). VCF-style: chr22-40411587-G-C. GRCh37 (hg19) VCF-style: chr22-40807591-G-C.
Other names: c.2599C>G, p.His867Asp (NM_001282660.2); c.2749C>G, p.His917Asp (NM_001282661.3); c.*212C>G (NM_001282662.3); c.2704C>G, p.His902Asp (NM_001318139.2); short protein forms H902D, H867D, H967D, H917D.
Identifiers: ClinVar variation 4727716 (VCV004727716.1).